The following is an entry in ClinVar:

ClinVar aggregate classification (germline): Uncertain significance (1 of 4 stars; one submission).

Submission:

Labcorp Genetics (formerly Invitae), Labcorp
Classification: Uncertain significance. Last evaluated: 2024-07-16. Review status: criteria provided, single submitter. Criteria: Invitae Variant Classification Sherloc (09022015). Collection method: clinical testing. Allele origin: germline.
Comment: This sequence change replaces aspartic acid, which is acidic and polar, with asparagine, which is neutral and polar, at codon 40 of the ANXA11 protein (p.Asp40Asn). This variant is not present in population databases (gnomAD no frequency). This variant has not been reported in the literature in individuals affected with ANXA11-related conditions. Experimental studies and prediction algorithms are not available or were not evaluated, and the functional significance of this variant is currently unknown. This variant disrupts the p.Asp40 amino acid residue in ANXA11. Other variant(s) that disrupt this residue have been determined to be pathogenic (PMID: 28469040, 29845112, 33087501, 33218681, 33618928, 34048612). This suggests that this residue is clinically significant, and that variants that disrupt this residue are likely to be disease-causing. In summary, the available evidence is currently insufficient to determine the role of this variant in disease. Therefore, it has been classified as a Variant of Uncertain Significance.

Literature cited by the submitters: PubMed 28469040; PubMed 29845112; PubMed 33087501; PubMed 33218681; PubMed 33618928; PubMed 34048612.

NM_145868.2(ANXA11):c.118G>A (p.Asp40Asn)

Gene: ANXA11 (annexin A11; minus strand). Cytogenetic location: 10q22.3.
Variant type: single nucleotide variant.
Coding change: c.118G>A on transcript NM_145868.2 (MANE Select); coding-DNA position 118, G replaced by A.
Protein change: p.Asp40Asn; replaces aspartic acid 40 with asparagine.
Molecular consequence: missense variant.
Genome position (GRCh38, 1-based): chr10:80,170,853, C>T on the plus strand (G>A on the coding strand, the complement: ANXA11 is on the minus strand). VCF-style: chr10-80170853-C-T. GRCh37 (hg19) VCF-style: chr10-81930609-C-T.
Other names: c.118G>A, p.Asp40Asn (NM_001157.3, NM_001278407.2, NM_001278408.2 and 1 more transcripts); c.19G>A, p.Asp7Asn (NM_001278409.2); short protein forms D40N, D7N.
Identifiers: ClinVar variation 2856463 (VCV002856463.3), dbSNP rs368751524, ClinGen allele CA377368828.